The following is an entry in ClinVar:

NM_005876.5(SPEG):c.9587G>A (p.Arg3196Gln)

Genes: ASIC4-AS1 (ASIC4 antisense RNA 1; minus strand), SPEG (striated muscle enriched protein kinase; plus strand). Cytogenetic location: 2q35.
Variant type: single nucleotide variant.
Coding change: c.9587G>A on transcript NM_005876.5 (MANE Select); coding-DNA position 9587, G replaced by A.
Protein change: p.Arg3196Gln; replaces arginine 3196 with glutamine.
Molecular consequence: missense variant.
Genome position (GRCh38, 1-based): chr2:219,492,236, G>A. VCF-style: chr2-219492236-G-A. GRCh37 (hg19) VCF-style: chr2-220356958-G-A.
Other names: short protein forms R3196Q.
Identifiers: ClinVar variation 426822 (VCV000426822.2), dbSNP rs770996931, ClinGen allele CA2127807.
Genomic context (GRCh38, chr2:219,492,236, plus strand): 5'-GCCGCTTTGATGCCTTCCAGCTGTACCCCAATACATCCCAGAGCGCCACCCTCTTCTTGC[G>A]AAAGGTTCTCTCTGTACATCCCTGGTGAGTGAGCCCCACACCTGCTATCCCCCAGTGTTA-3'
Protein context (NP_005867.3, residues 3186-3206): NTSQSATLFL[Arg3196Gln]KVLSVHPWSR

ClinVar aggregate classification (germline): Uncertain significance (1 of 4 stars; one submission).

Allele frequency attached by ClinVar (database versions not stated): ExAC 0.00001; gnomAD 0.00001; TOPMed 0.00001.
gnomAD v4.1: 43 of 1,613,394 alleles (0.0027%); highest among the groups gnomAD compares: South Asian, 0.0088%; 1 homozygote.

Submission:

GeneDx
Classification: Uncertain significance. Last evaluated: 2017-04-03. Review status: criteria provided, single submitter. Criteria: GeneDx Variant Classification (06012015). Collection method: clinical testing. Allele origin: germline. Affected: yes.
Comment: The R3196Q variant in the SPEG gene has not been reported previously as a pathogenic variant, nor as a benign variant, to our knowledge. The R3196Q variant is not observed at a significant frequency in large population cohorts (Lek et al., 2016; 1000 Genomes Consortium et al., 2015; Exome Variant Server). The R3196Q variant is a semi-conservative amino acid substitution, which may impact secondary protein structure as these residues differ in some properties. This substitution occurs at a position where amino acids with similar properties to Arginine are tolerated across species. In silico analysis is inconsistent in its predictions as to whether or not the variant is damaging to the protein structure/function. We interpret R3196Q as a variant of uncertain significance.